The following is an entry in ClinVar:

NM_003242.6(TGFBR2):c.263+15_263+16insTTTTTTTTTTTTTTTTTTTTNNNNNNNNNNGTGATCCGCCCGCCTCGGCCTCCCAAAGTGCTGGGATTACAGGCGTGAGCCACCGCGCCCGGCCAGCAAGCCTTTT

Gene: TGFBR2 (transforming growth factor beta receptor 2; plus strand). Cytogenetic location: 3p24.1.
Variant type: Insertion.
Coding change: c.263+15_263+16insTTTTTTTTTTTTTTTTTTTTNNNNNNNNNNGTGATCCGCCCGCCTCGGCCTCCCAAAGTGCTGGGATTACAGGCGTGAGCCACCGCGCCCGGCCAGCAAGCCTTTT on transcript NM_003242.6 (MANE Select); bases 15 to 16 of the intron after coding-DNA position 263, TTTTTTTTTTTTTTTTTTTTNNNNNNNNNNGTGATCCGCCCGCCTCGGCCTCCCAAAGTGCTGGGATTACAGGCGTGAGCCACCGCGCCCGGCCAGCAAGCCTTTT inserted.
Molecular consequence: intron variant.
Genome position: GRCh38: chr3:30,644,930-30,644,931. GRCh37 (hg19): chr3:30,686,422-30,686,423.
Other names: c.158+15_158+16insTTTTTTTTTTTTTTTTTTTTNNNNNNNNNNGTGATCCGCCCGCCTCGGCCTCCCAAAGTGCTGGGATTACAGGCGTGAGCCACCGCGCCCGGCCAGCAAGCCTTTT (NM_001407129.1, NM_001407132.1, NM_001407136.1 and 3 more transcripts); c.338+15_338+16insTTTTTTTTTTTTTTTTTTTTNNNNNNNNNNGTGATCCGCCCGCCTCGGCCTCCCAAAGTGCTGGGATTACAGGCGTGAGCCACCGCGCCCGGCCAGCAAGCCTTTT (NM_001407126.1, NM_001024847.3, NM_001407139.1); c.169+21657_169+21658insTTTTTTTTTTTTTTTTTTTTNNNNNNNNNNGTGATCCGCCCGCCTCGGCCTCCCAAAGTGCTGGGATTACAGGCGTGAGCCACCGCGCCCGGCCAGCAAGCCTTTT (NM_001407137.1); c.263+15_263+16insTTTTTTTTTTTTTTTTTTTTNNNNNNNNNNGTGATCCGCCCGCCTCGGCCTCCCAAAGTGCTGGGATTACAGGCGTGAGCCACCGCGCCCGGCCAGCAAGCCTTTT (NM_001407127.1, NM_001407130.1); c.95-26708_95-26707insTTTTTTTTTTTTTTTTTTTTNNNNNNNNNNGTGATCCGCCCGCCTCGGCCTCCCAAAGTGCTGGGATTACAGGCGTGAGCCACCGCGCCCGGCCAGCAAGCCTTTT (NM_001407138.1); c.290+15_290+16insTTTTTTTTTTTTTTTTTTTTNNNNNNNNNNGTGATCCGCCCGCCTCGGCCTCCCAAAGTGCTGGGATTACAGGCGTGAGCCACCGCGCCCGGCCAGCAAGCCTTTT (NM_001407128.1).
Identifiers: ClinVar variation 2694439 (VCV002694439.3), dbSNP rs2470510475.

ClinVar aggregate classification (germline): Uncertain significance (1 of 4 stars; one submission).

Conditions:
Familial thoracic aortic aneurysm and aortic dissection (TAAD). Also called: Thoracic aortic aneurysms and dissections. Identifiers: Orphanet 91387, MedGen C4707243, MONDO:0019625.

Submission:

Labcorp Genetics (formerly Invitae), Labcorp
Classification: Uncertain significance for Familial thoracic aortic aneurysm and aortic dissection. Last evaluated: 2023-11-08. Review status: criteria provided, single submitter. Criteria: Invitae Variant Classification Sherloc (09022015). Collection method: clinical testing. Allele origin: germline.
Comment: This sequence change falls in intron 2 of the TGFBR2 gene. It does not directly change the encoded amino acid sequence of the TGFBR2 protein. This variant is not present in population databases (gnomAD no frequency). This variant has not been reported in the literature in individuals affected with TGFBR2-related conditions. Experimental studies and prediction algorithms are not available or were not evaluated, and the effect of this variant on mRNA splicing is currently unknown. In summary, the available evidence is currently insufficient to determine the role of this variant in disease. Therefore, it has been classified as a Variant of Uncertain Significance.